The following is an entry in ClinVar:

NM_001035.3(RYR2):c.5566A>C (p.Thr1856Pro)

Gene: RYR2 (ryanodine receptor 2; plus strand). Cytogenetic location: 1q43.
Variant type: single nucleotide variant.
Coding change: c.5566A>C on transcript NM_001035.3 (MANE Select); coding-DNA position 5566, A replaced by C.
Protein change: p.Thr1856Pro; replaces threonine 1856 with proline.
Molecular consequence: missense variant.
Genome position (GRCh38, 1-based): chr1:237,614,694, A>C. VCF-style: chr1-237614694-A-C. GRCh37 (hg19) VCF-style: chr1-237777994-A-C.
Other names: short protein forms T1856P.
Identifiers: ClinVar variation 3070665 (VCV003070665.1), dbSNP rs2546796909, ClinGen allele CA345405305.

ClinVar aggregate classification (germline): Uncertain significance (1 of 4 stars; one submission).

Conditions:
Catecholaminergic polymorphic ventricular tachycardia (CVPT). Also called: Catecholamine-induced polymorphic ventricular tachycardia. Identifiers: Orphanet 3286, MedGen C5574922, MONDO:0017990.

Submission:

All of Us Research Program, National Institutes of Health
Classification: Uncertain significance for Catecholaminergic polymorphic ventricular tachycardia. Last evaluated: 2023-05-04. Review status: criteria provided, single submitter. Criteria: ACMG Guidelines, 2015. Collection method: clinical testing. Allele origin: germline. Inheritance: Autosomal dominant inheritance. Observed: 1 variant allele, 1 heterozygote.
Comment: This missense variant replaces threonine with proline at codon 1856 of the RYR2 protein. Computational prediction suggests that this variant may not impact protein structure and function (internally defined REVEL score threshold <= 0.5, PMID: 27666373). To our knowledge, functional studies have not been reported for this variant. This variant has not been reported in individuals affected with RYR2-related disorders in the literature. This variant has not been identified in the general population by the Genome Aggregation Database (gnomAD). The available evidence is insufficient to determine the role of this variant in disease conclusively. Therefore, this variant is classified as a Variant of Uncertain Significance.

This study involves interpretation of variants in research participants for the purpose of population health screening. Participant phenotype was not available at the time of variant classification. Additional details can be found in publication PMID: 35346344, PMCID: PMC8962531